The following is an entry in ClinVar:

ClinVar aggregate classification (germline): Uncertain significance (1 of 4 stars; one submission).

Conditions:
Short-rib thoracic dysplasia 10 with or without polydactyly (SRTD10). Identifiers: Orphanet 474, MedGen C3810175, MONDO:0014284, OMIM 615630.
Retinitis pigmentosa 71 (RP71). Identifiers: Orphanet 791, MedGen C4225342, MONDO:0014618, OMIM 616394.

Allele frequency attached by ClinVar (database versions not stated): gnomAD exomes 0.00002 and 0.00003; TOPMed 0.00002; ExAC 0.00003.
gnomAD v4.1: 37 of 1,612,924 alleles (0.0023%); highest among the groups gnomAD compares: Middle Eastern, 0.019%; no homozygotes.

Submission:

Labcorp Genetics (formerly Invitae), Labcorp
Classification: Uncertain significance for Retinitis pigmentosa 71; Short-rib thoracic dysplasia 10 with or without polydactyly. Last evaluated: 2022-11-01. Review status: criteria provided, single submitter. Criteria: Invitae Variant Classification Sherloc (09022015). Collection method: clinical testing. Allele origin: germline.
Comment: Advanced modeling of protein sequence and biophysical properties (such as structural, functional, and spatial information, amino acid conservation, physicochemical variation, residue mobility, and thermodynamic stability) performed at Invitae indicates that this missense variant is not expected to disrupt IFT172 protein function. ClinVar contains an entry for this variant (Variation ID: 1053364). This variant has not been reported in the literature in individuals affected with IFT172-related conditions. This variant is present in population databases (rs757478657, gnomAD 0.007%). This sequence change replaces valine, which is neutral and non-polar, with methionine, which is neutral and non-polar, at codon 211 of the IFT172 protein (p.Val211Met). In summary, the available evidence is currently insufficient to determine the role of this variant in disease. Therefore, it has been classified as a Variant of Uncertain Significance.

NM_015662.3(IFT172):c.631G>A (p.Val211Met)

Gene: IFT172 (intraflagellar transport 172; minus strand). Cytogenetic location: 2p23.3.
Variant type: single nucleotide variant.
Coding change: c.631G>A on transcript NM_015662.3 (MANE Select); coding-DNA position 631, G replaced by A.
Protein change: p.Val211Met; replaces valine 211 with methionine.
Molecular consequence: missense variant.
Genome position (GRCh38, 1-based): chr2:27,481,200, C>T on the plus strand (G>A on the coding strand, the complement: IFT172 is on the minus strand). VCF-style: chr2-27481200-C-T. GRCh37 (hg19) VCF-style: chr2-27704067-C-T.
Other names: short protein forms V211M.
Identifiers: ClinVar variation 1053364 (VCV001053364.7), dbSNP rs757478657, ClinGen allele CA1580903.